The following is an entry in ClinVar:

ClinVar aggregate classification (germline): Benign. Review status: criteria provided, multiple submitters, no conflicts (2 of 4 stars). 3 submissions from 3 submitters: Benign (3). Last evaluated 2025-10-19.

Conditions:
FMN1-related disorder. Also called: FMN1-related condition.

Allele frequency attached by ClinVar (database versions not stated): ExAC 0.00035; gnomAD exomes 0.00044; 1000 Genomes Project 30x 0.00125; 1000 Genomes Project 0.00140; TOPMed 0.00240; gnomAD 0.00249 and 0.00260.
gnomAD v4.1: 766 of 1,536,130 alleles (0.05%); highest among the groups gnomAD compares: African/African-American, 0.93%; 4 homozygotes.

Submissions (3):

PreventionGenetics, part of Exact Sciences
Classification: Benign for FMN1-related condition. Last evaluated: 2025-10-19. Review status: criteria provided, single submitter. Criteria: ACMG Guidelines, 2015. Collection method: clinical testing. Allele origin: germline.
Comment: This variant is classified as benign based on ACMG/AMP sequence variant interpretation guidelines (Richards et al. 2015 PMID: 25741868, with internal and published modifications).

Labcorp Genetics (formerly Invitae), Labcorp
Classification: Benign. Last evaluated: 2025-09-25. Review status: criteria provided, single submitter. Criteria: Invitae Variant Classification Sherloc (09022015). Collection method: clinical testing. Allele origin: germline.

Breakthrough Genomics
Classification: Benign. Review status: criteria provided, single submitter. Criteria: ACMG Guidelines, 2015. Collection method: not provided. Allele origin: germline. Inheritance: Unknown mechanism. Affected: yes.

NM_001277313.2(FMN1):c.1179T>G (p.Asp393Glu)

Gene: FMN1 (formin 1; minus strand). Cytogenetic location: 15q13.3.
Variant type: single nucleotide variant.
Coding change: c.1179T>G on transcript NM_001277313.2 (MANE Select); coding-DNA position 1179, T replaced by G.
Protein change: p.Asp393Glu; replaces aspartic acid 393 with glutamic acid.
Molecular consequence: missense variant.
Genome position (GRCh38, 1-based): chr15:33,153,736, A>C on the plus strand (T>G on the coding strand, the complement: FMN1 is on the minus strand). VCF-style: chr15-33153736-A-C. GRCh37 (hg19) VCF-style: chr15-33445937-A-C.
Other names: c.1179T>G (NM_001277313.1); c.1179T>G, p.Asp393Glu (NM_001277314.2); short protein forms D393E.
Identifiers: ClinVar variation 1610980 (VCV001610980.10), dbSNP rs369715846, ClinGen allele CA7457540.
Genomic context (GRCh38, chr15:33,153,736, plus strand): 5'-GGCACTGGCCGACACACTAGAAATGGAGGCTGTTTCCCCGGCTGGCGACTGCGATGACCT[A>C]TCCCCTTGCCGCTCCTTGCCCTGCCGCCTGGAGCCATGAGCCCCAGCCTCAGCTCCCGGG-3'
Protein context (NP_001264242.1, residues 383-403): SRRQGKERQG[Asp393Glu]RSSQSPAGET